The following is an entry in ClinVar:

ClinVar aggregate classification (germline): Uncertain significance (1 of 4 stars; one submission).

Conditions:
Inborn genetic diseases. Identifiers: MedGen C0950123, MeSH D030342.

Submission:

Ambry Genetics
Classification: Uncertain significance for Inborn genetic diseases. Last evaluated: 2024-12-14. Review status: criteria provided, single submitter. Criteria: Ambry Variant Classification Scheme 2023. Collection method: clinical testing. Allele origin: germline.
Comment: The p.A265T variant (also known as c.793G>A), located in coding exon 7 of the FANCG gene, results from a G to A substitution at nucleotide position 793. The alanine at codon 265 is replaced by threonine, an amino acid with similar properties. This amino acid position is conserved. In addition, this alteration is predicted to be deleterious by in silico analysis. Based on the available evidence, the clinical significance of this variant remains unclear.

NM_004629.2(FANCG):c.793G>A (p.Ala265Thr)

Gene: FANCG (FA complementation group G; minus strand). Cytogenetic location: 9p13.3.
Variant type: single nucleotide variant.
Coding change: c.793G>A on transcript NM_004629.2 (MANE Select); coding-DNA position 793, G replaced by A.
Protein change: p.Ala265Thr; replaces alanine 265 with threonine.
Molecular consequence: missense variant.
Genome position (GRCh38, 1-based): chr9:35,076,855, C>T on the plus strand (G>A on the coding strand, the complement: FANCG is on the minus strand). VCF-style: chr9-35076855-C-T. GRCh37 (hg19) VCF-style: chr9-35076852-C-T.
Other names: short protein forms A265T.
Identifiers: ClinVar variation 3848370 (VCV003848370.1).